The following is an entry in ClinVar:

ClinVar aggregate classification (germline): Conflicting classifications of pathogenicity. Review status: criteria provided, conflicting classifications (1 of 4 stars). 5 submissions from 5 submitters: Uncertain significance (2); Likely benign (3). Last evaluated 2026-01-20.

Conditions:
MYO7A-related disorder. Also called: MYO7A-related disorders.

Allele frequency attached by ClinVar (database versions not stated): ExAC 0.00003; gnomAD exomes 0.00003 and 0.00004; TOPMed 0.00005; gnomAD 0.00009; ESP Exome Variant Server 0.00016.
gnomAD v4.1: 55 of 1,613,800 alleles (0.0034%); highest among the groups gnomAD compares: Non-Finnish European, 0.0042%; no homozygotes.

Submissions (5):

Labcorp Genetics (formerly Invitae), Labcorp
Classification: Likely benign. Last evaluated: 2026-01-20. Review status: criteria provided, single submitter. Criteria: Invitae Variant Classification Sherloc (09022015). Collection method: clinical testing. Allele origin: germline.

PreventionGenetics, part of Exact Sciences
Classification: Uncertain significance for MYO7A-related condition. Last evaluated: 2025-12-22. Review status: criteria provided, single submitter. Criteria: ACMG Guidelines, 2015. Collection method: clinical testing. Allele origin: germline.
Comment: The MYO7A c.4920C>T variant is not predicted to result in an amino acid change (p.=). This variant is predicted to alter splicing based on available splicing prediction software (SpliceAI, Jaganathan et al. 2019. PubMed ID: 30661751). However, the use of computer prediction softwares is not equivalent to functional evidence. To our knowledge, this variant has not been reported in the literature. This variant is reported in 0.0097% of alleles in individuals of Ashkenazi Jewish descent in gnomAD. At this time, the clinical significance of this variant is uncertain due to the absence of conclusive functional and genetic evidence.

Blueprint Genetics
Classification: Uncertain significance. Last evaluated: 2023-09-29. Review status: criteria provided, single submitter. Criteria: ACMG Guidelines, 2015. Collection method: clinical testing. Allele origin: germline.

CeGaT Center for Human Genetics Tuebingen
Classification: Likely benign. Last evaluated: 2022-10-01. Review status: criteria provided, single submitter. Criteria: CeGaT Center For Human Genetics Tuebingen Variant Classification Criteria Version 2. Collection method: clinical testing. Allele origin: germline. Affected: yes. Observed: 1 variant allele.
Comment: MYO7A: BP4, BP7

GeneDx
Classification: Likely benign. Last evaluated: 2020-09-28. Review status: criteria provided, single submitter. Criteria: GeneDx Variant Classification Process June 2021. Collection method: clinical testing. Allele origin: germline. Affected: yes.

NM_000260.4(MYO7A):c.4920C>T (p.Gly1640=)

Gene: MYO7A (myosin VIIA; plus strand). Cytogenetic location: 11q13.5.
Variant type: single nucleotide variant.
Coding change: c.4920C>T on transcript NM_000260.4 (MANE Select); coding-DNA position 4920, C replaced by T.
Protein change: p.Gly1640=; no amino-acid change (glycine 1640 retained).
Molecular consequence: synonymous variant.
Genome position (GRCh38, 1-based): chr11:77,201,515, C>T. VCF-style: chr11-77201515-C-T. GRCh37 (hg19) VCF-style: chr11-76912560-C-T.
Other names: c.4806C>T, p.Gly1602= (NM_001127180.2); c.4773C>T, p.Gly1591= (NM_001369365.1).
Identifiers: ClinVar variation 1199841 (VCV001199841.37), dbSNP rs372882699, ClinGen allele CA6198575.
Genomic context (GRCh38, chr11:77,201,515, plus strand): 5'-GGAGTCAGGCTTCCTCAGCTTTGCCAAGGGAGACCTCATCATCCTGGACCATGACACGGG[C>T]GAGCAGGTCATGAACTCGGGCTGGGCCAACGGCATCAATGAGAGGACCAAGCAGCGTGGG-3'
Protein context (NP_000251.3, residues 1630-1650): GDLIILDHDT[Gly1640=]EQVMNSGWAN